The following is an entry in ClinVar:

NM_000059.4(BRCA2):c.6056A>G (p.Asn2019Ser)

Gene: BRCA2 (BRCA2 DNA repair associated; plus strand). Cytogenetic location: 13q13.1.
Variant type: single nucleotide variant.
Coding change: c.6056A>G on transcript NM_000059.4 (MANE Select); coding-DNA position 6056, A replaced by G.
Protein change: p.Asn2019Ser; replaces asparagine 2019 with serine.
Molecular consequence: missense variant.
Genome position (GRCh38, 1-based): chr13:32,340,411, A>G. VCF-style: chr13-32340411-A-G. GRCh37 (hg19) VCF-style: chr13-32914548-A-G.
Other names: c.6056A>G (NM_000059.3); short protein forms N2019S.
Identifiers: ClinVar variation 1368710 (VCV001368710.11), dbSNP rs2137523727, ClinGen allele CA387787904.
Genomic context (GRCh38, chr13:32,340,411, plus strand): 5'-TGTTTTCTGAAATAGAAGATAGTACCAAGCAAGTCTTTTCCAAAGTATTGTTTAAAAGTA[A>G]CGAACATTCAGACCAGCTCACAAGAGAAGAAAATACTGCTATACGTACTCCAGAACATTT-3'
Protein context (NP_000050.3, residues 2009-2029): QVFSKVLFKS[Asn2019Ser]EHSDQLTREE

ClinVar aggregate classification (germline): Conflicting classifications of pathogenicity. Review status: criteria provided, conflicting classifications (1 of 4 stars). 3 submissions from 3 submitters: Uncertain significance (1); Likely benign (2). Last evaluated 2025-06-03.

Conditions:
Hereditary cancer-predisposing syndrome. Also called: Neoplastic Syndromes, Hereditary; Tumor predisposition; Hereditary neoplastic syndrome; Hereditary Cancer Syndrome. Identifiers: Orphanet 140162, MedGen C0027672, MeSH D009386, MONDO:0015356.
Hereditary breast ovarian cancer syndrome. Also called: BRCA1- and BRCA2-Associated Hereditary Breast and Ovarian Cancer; Hereditary breast and ovarian cancer; Hereditary breast and ovarian cancer syndrome; Hereditary breast and/or ovarian cancer syndrome; Hereditary breast and ovarian cancer syndrome (HBOC); Breast and ovarian cancer. Identifiers: Orphanet 145, MedGen C0677776, MeSH D061325, MONDO:0003582. Disease mechanism: loss of function.

Submissions (3):

Ambry Genetics
Classification: Likely benign for Hereditary cancer-predisposing syndrome. Last evaluated: 2025-06-03. Review status: criteria provided, single submitter. Criteria: Ambry Variant Classification Scheme 2023. Collection method: clinical testing. Allele origin: germline.

University of Washington Department of Laboratory Medicine, University of Washington
Classification: Likely benign for Hereditary cancer-predisposing syndrome. Last evaluated: 2023-03-23. Review status: criteria provided, single submitter. Criteria: Dines et al. (Genet Med. 2020). Collection method: curation. Allele origin: germline.
Comment: Missense variant in a coldspot region where missense variants are very unlikely to be pathogenic (PMID:31911673).

BRCA2 exon 11 coldspot. Reclassification based on statistical prior probability.

Labcorp Genetics (formerly Invitae), Labcorp
Classification: Uncertain significance for Hereditary breast ovarian cancer syndrome. Last evaluated: 2021-06-18. Review status: criteria provided, single submitter. Criteria: Invitae Variant Classification Sherloc (09022015). Collection method: clinical testing. Allele origin: germline.
Comment: In summary, the available evidence is currently insufficient to determine the role of this variant in disease. Therefore, it has been classified as a Variant of Uncertain Significance. Advanced modeling of protein sequence and biophysical properties (such as structural, functional, and spatial information, amino acid conservation, physicochemical variation, residue mobility, and thermodynamic stability) performed at Invitae indicates that this missense variant is not expected to disrupt BRCA2 protein function. This sequence change replaces asparagine with serine at codon 2019 of the BRCA2 protein (p.Asn2019Ser). The asparagine residue is moderately conserved and there is a small physicochemical difference between asparagine and serine. This variant has not been reported in the literature in individuals with BRCA2-related conditions. This variant is not present in population databases (ExAC no frequency).